The following is an entry in ClinVar:

NM_001127644.2(GABRA1):c.1358C>T (p.Thr453Ile)

Gene: GABRA1 (gamma-aminobutyric acid type A receptor subunit alpha1; plus strand). Cytogenetic location: 5q34.
Variant type: single nucleotide variant.
Coding change: c.1358C>T on transcript NM_001127644.2 (MANE Select); coding-DNA position 1358, C replaced by T.
Protein change: p.Thr453Ile; replaces threonine 453 with isoleucine.
Molecular consequence: missense variant.
Genome position (GRCh38, 1-based): chr5:161,897,409, C>T. VCF-style: chr5-161897409-C-T. GRCh37 (hg19) VCF-style: chr5-161324415-C-T.
Other names: c.1358C>T, p.Thr453Ile (NM_000806.5, NM_001127643.2, NM_001127645.2 and 1 more transcripts); short protein forms T453I.
Identifiers: ClinVar variation 858031 (VCV000858031.9), dbSNP rs1755420544, ClinGen allele CA362181405.
Genomic context (GRCh38, chr5:161,897,409, plus strand): 5'-TCTTTAACTTAGTCTACTGGGCTACGTATTTAAACAGAGAGCCTCAGCTAAAAGCCCCCA[C>T]ACCACATCAATAGATCTTTTACTCACATTCTGTTGTTCAGTCCTCTGCACTGGGAATTTA-3'
Protein context (NP_001121116.1, residues 443-456): LNREPQLKAP[Thr453Ile]PHQ

ClinVar aggregate classification (germline): Uncertain significance (1 of 4 stars; one submission).

Conditions:
Idiopathic generalized epilepsy. Also called: Generalised epilepsy; EIG. Identifiers: MedGen C0270850, MONDO:0005579, OMIM 600669.
Epilepsy, idiopathic generalized, susceptibility to, 13. Also called: EPILEPSY, JUVENILE MYOCLONIC, SUSCEPTIBILITY TO, 5. Identifiers: Orphanet 307, Orphanet 64280, MedGen C4013473, MONDO:0012627, OMIM 611136.
Epilepsy, childhood absence 4 (ECA4). Also called: EPILEPSY, CHILDHOOD ABSENCE, SUSCEPTIBILITY TO, 4. Identifiers: Orphanet 307, MedGen C1970160.

Allele frequency attached by ClinVar (database versions not stated): gnomAD exomes below 0.00001; gnomAD 0.00001.
gnomAD v4.1: 2 of 1,613,618 alleles (0.00012%); highest among the groups gnomAD compares: Admixed American, 0.0017%; no homozygotes.

Submission:

Labcorp Genetics (formerly Invitae), Labcorp
Classification: Uncertain significance for Epilepsy, childhood absence 4; Epilepsy, idiopathic generalized, susceptibility to, 13; Idiopathic generalized epilepsy. Last evaluated: 2025-03-25. Review status: criteria provided, single submitter. Criteria: Invitae Variant Classification Sherloc (09022015). Collection method: clinical testing. Allele origin: germline.
Comment: This sequence change replaces threonine, which is neutral and polar, with isoleucine, which is neutral and non-polar, at codon 453 of the GABRA1 protein (p.Thr453Ile). This variant is not present in population databases (gnomAD no frequency). This variant has not been reported in the literature in individuals affected with GABRA1-related conditions. ClinVar contains an entry for this variant (Variation ID: 858031). Invitae Evidence Modeling of protein sequence and biophysical properties (such as structural, functional, and spatial information, amino acid conservation, physicochemical variation, residue mobility, and thermodynamic stability) indicates that this missense variant is not expected to disrupt GABRA1 protein function with a negative predictive value of 80%. In summary, the available evidence is currently insufficient to determine the role of this variant in disease. Therefore, it has been classified as a Variant of Uncertain Significance.